The following is an entry in ClinVar:

NM_004366.6(CLCN2):c.668_672del (p.Leu223fs)

Gene: CLCN2 (chloride voltage-gated channel 2; minus strand). Cytogenetic location: 3q27.1.
Variant type: Deletion.
Coding change: c.668_672del on transcript NM_004366.6 (MANE Select); coding-DNA positions 668 to 672, 5 bases deleted (TCTCC; older notation c.668_672delTCTCC).
Protein change: p.Leu223fs; shifts the reading frame from leucine 223.
Molecular consequence: frameshift variant.
Genome position (GRCh38, 1-based): chr3:184,357,800-184,357,804, GGAGA deleted on the plus strand (TCTCC on the coding strand, the reverse complement: CLCN2 is on the minus strand); deleting any 5 consecutive bases within chr3:184,357,800-184,357,807 gives the same sequence; the c. name uses the placement nearest the transcript's 3' end. VCF-style (leftmost placement, unchanged base first): chr3-184357799-GGGAGA-G. GRCh37 (hg19) VCF-style: chr3-184075587-GGGAGA-G.
Other names: c.668_672del, p.Leu223fs (NM_001171087.3, NM_001171089.3); c.536_540del, p.Leu179fs (NM_001171088.3); c.668_672del5 (NM_004366.5); short protein forms L179fs, L223fs.
Identifiers: ClinVar variation 1279936 (VCV001279936.35), dbSNP rs756385625, ClinGen allele CA2734412.

ClinVar aggregate classification (germline): Pathogenic/Likely pathogenic. Review status: criteria provided, multiple submitters, no conflicts (2 of 4 stars). 7 submissions from 7 submitters: Pathogenic (3); Likely pathogenic (3). 1 of the submissions does not count toward it. Last evaluated 2025-02-16.

Conditions:
Epilepsy, idiopathic generalized, susceptibility to, 11 (EIG11). Identifiers: Orphanet 307, MedGen C2750893, MONDO:0011875, OMIM 607628.
Leukoencephalopathy with mild cerebellar ataxia and white matter edema (LKPAT). Also called: CLCN2-Related Leukoencephalopathy; Leukoencephalopathy with ataxia; Leukoencephalopathy with white matter edema; Brain white matter edema. Identifiers: Orphanet 363540, MedGen C4554120, MONDO:0014292, OMIM 615651. Disease mechanism: loss of function.
Familial hyperaldosteronism type II. Also called: FH II. Identifiers: Orphanet 404, MedGen C1854107, MONDO:0011576, OMIM 605635.
CLCN2-related disorder. Also called: CLCN2-related condition; CLCN2-related disorders.

Submissions (7):

Laboratory of Genetics, Children's Clinical University Hospital Latvia
Classification: Pathogenic. Last evaluated: 2025-02-16. Review status: criteria provided, single submitter. Criteria: ACMG Guidelines, 2015. Collection method: clinical testing. Allele origin: germline. Affected: yes.

Blueprint Genetics
Classification: Likely pathogenic for CLCN2-related disorders. Last evaluated: 2024-01-30. Review status: criteria provided, single submitter. Criteria: ACMG Guidelines, 2015. Collection method: clinical testing. Allele origin: germline. Affected: yes. Observed: 5 variant alleles.

Clinical Genetics Laboratory, Skane University Hospital Lund
Classification: Likely pathogenic. Last evaluated: 2023-06-09. Review status: criteria provided, single submitter. Criteria: ACMG Guidelines, 2015. Collection method: clinical testing. Allele origin: germline. Affected: yes.

CeGaT Center for Human Genetics Tuebingen
Classification: Pathogenic. Last evaluated: 2022-07-01. Review status: criteria provided, single submitter. Criteria: CeGaT Center For Human Genetics Tuebingen Variant Classification Criteria Version 2. Collection method: clinical testing. Allele origin: germline. Affected: yes. Observed: 1 variant allele.
Comment: CLCN2: PVS1, PM2

Institute of Medical Genetics and Applied Genomics, University Hospital Tübingen
Classification: Pathogenic for Leukoencephalopathy with mild cerebellar ataxia and white matter edema. Last evaluated: 2021-09-16. Review status: criteria provided, single submitter. Criteria: ACMG Guidelines, 2015. Collection method: clinical testing. Allele origin: germline. Inheritance: Autosomal recessive inheritance. Affected: yes.

Fulgent Genetics
Classification: Likely pathogenic for Familial hyperaldosteronism type II; Epilepsy, idiopathic generalized, susceptibility to, 11; Leukoencephalopathy with mild cerebellar ataxia and white matter edema. Last evaluated: 2021-08-09. Review status: criteria provided, single submitter. Criteria: ACMG Guidelines, 2015. Collection method: clinical testing. Allele origin: unknown.

PreventionGenetics, part of Exact Sciences
Classification: Pathogenic for CLCN2-related condition. Last evaluated: 2024-08-08. Review status: no assertion criteria provided. Collection method: clinical testing. Allele origin: germline. Not counted in ClinVar's aggregate classification.
Comment: The CLCN2 c.668_672del5 variant is predicted to result in a frameshift and premature protein termination (p.Leu223Profs*7). To our knowledge, this variant has not been reported in the literature. This variant is reported in 0.026% of alleles in individuals of European (Non-Finnish) descent in gnomAD. Frameshift variants in CLCN2 are expected to be pathogenic. This variant is interpreted as pathogenic.